The following is an entry in ClinVar:

ClinVar aggregate classification (germline): Uncertain significance (1 of 4 stars; one submission).

Conditions:
Cardiovascular phenotype. Identifiers: MedGen CN230736.

Submission:

Ambry Genetics
Classification: Uncertain significance for Cardiovascular phenotype. Last evaluated: 2024-09-14. Review status: criteria provided, single submitter. Criteria: Ambry Variant Classification Scheme 2023. Collection method: clinical testing. Allele origin: germline.
Comment: The p.H1421Y variant (also known as c.4261C>T), located in coding exon 28 of the MYH6 gene, results from a C to T substitution at nucleotide position 4261. The histidine at codon 1421 is replaced by tyrosine, an amino acid with similar properties. This amino acid position is conserved. In addition, the in silico prediction for this alteration is inconclusive. Based on the available evidence, the clinical significance of this variant remains unclear.

NM_002471.4(MYH6):c.4261C>T (p.His1421Tyr)

Gene: MYH6 (myosin heavy chain 6; minus strand). Cytogenetic location: 14q11.2.
Variant type: single nucleotide variant.
Coding change: c.4261C>T on transcript NM_002471.4 (MANE Select); coding-DNA position 4261, C replaced by T.
Protein change: p.His1421Tyr; replaces histidine 1421 with tyrosine.
Molecular consequence: missense variant.
Genome position (GRCh38, 1-based): chr14:23,388,253, G>A on the plus strand (C>T on the coding strand, the complement: MYH6 is on the minus strand). VCF-style: chr14-23388253-G-A. GRCh37 (hg19) VCF-style: chr14-23857462-G-A.
Other names: short protein forms H1421Y.
Identifiers: ClinVar variation 3400846 (VCV003400846.1).